The following is an entry in ClinVar:

ClinVar aggregate classification (germline): Uncertain significance. Review status: criteria provided, multiple submitters, no conflicts (2 of 4 stars). 4 submissions from 4 submitters: Uncertain significance (4). Last evaluated 2026-03-02.

Conditions:
IFT140-related recessive ciliopathy. Identifiers: MedGen CN322243, MONDO:0100509.
Saldino-Mainzer syndrome (SRTD9). Also called: Renal dysplasia, retinal pigmentary dystrophy, cerebellar ataxia and skeletal dysplasia; SHORT-RIB THORACIC DYSPLASIA 9 WITHOUT POLYDACTYLY; short-rib thoracic dysplasia 9 with or without polydactyly; CONORENAL SYNDROME. Identifiers: Orphanet 140969, MedGen C1849437, MONDO:0009964, OMIM 266920.
Inborn genetic diseases. Identifiers: MedGen C0950123, MeSH D030342.
IFT140-related disorder. Also called: IFT140-related condition.

gnomAD v4.1: 5 of 1,606,530 alleles (0.00031%); highest among the groups gnomAD compares: Non-Finnish European, 0.00025%; no homozygotes.

Submissions (4):

Ambry Genetics
Classification: Uncertain significance for Inborn genetic diseases. Last evaluated: 2026-03-02. Review status: criteria provided, single submitter. Criteria: Ambry Variant Classification Scheme 2023. Collection method: clinical testing. Allele origin: germline.

Dasa
Classification: Uncertain significance for IFT140-related recessive ciliopathy. Last evaluated: 2025-12-15. Review status: criteria provided, single submitter. Criteria: DASA Assertion Criteria. Collection method: clinical testing. Allele origin: germline.
Comment: NM_014714.4(IFT140):c.3949G>A (p.Ala1317Thr) is a missense variant that results in the substitution of alanine with threonine. This variant is rare in population databases. Computational prediction algorithms are consistent with a benign effect. The currently available literature and clinical evidence are not sufficient to establish a definitive association between this variant and the reported condition. Therefore, this variant is classified as a variant of uncertain significance.

PreventionGenetics, part of Exact Sciences
Classification: Uncertain significance for IFT140-related condition. Last evaluated: 2025-07-30. Review status: criteria provided, single submitter. Criteria: ACMG Guidelines, 2015. Collection method: clinical testing. Allele origin: germline.
Comment: The IFT140 c.3949G>A variant is predicted to result in the amino acid substitution p.Ala1317Thr. To our knowledge, this variant has not been reported in the literature. This variant is reported in 0.00090% of alleles in individuals of European (Non-Finnish) descent in gnomAD. At this time, the clinical significance of this variant is uncertain due to the absence of conclusive functional and genetic evidence.

Labcorp Genetics (formerly Invitae), Labcorp
Classification: Uncertain significance for Saldino-Mainzer syndrome. Last evaluated: 2025-01-19. Review status: criteria provided, single submitter. Criteria: Invitae Variant Classification Sherloc (09022015). Collection method: clinical testing. Allele origin: germline.
Comment: This sequence change replaces alanine, which is neutral and non-polar, with threonine, which is neutral and polar, at codon 1317 of the IFT140 protein (p.Ala1317Thr). This variant is present in population databases (no rsID available, gnomAD 0.0009%). This variant has not been reported in the literature in individuals affected with IFT140-related conditions. Invitae Evidence Modeling of protein sequence and biophysical properties (such as structural, functional, and spatial information, amino acid conservation, physicochemical variation, residue mobility, and thermodynamic stability) indicates that this missense variant is not expected to disrupt IFT140 protein function with a negative predictive value of 80%. In summary, the available evidence is currently insufficient to determine the role of this variant in disease. Therefore, it has been classified as a Variant of Uncertain Significance.

NM_014714.4(IFT140):c.3949G>A (p.Ala1317Thr)

Gene: IFT140 (intraflagellar transport 140; minus strand). Cytogenetic location: 16p13.3.
Variant type: single nucleotide variant.
Coding change: c.3949G>A on transcript NM_014714.4 (MANE Select); coding-DNA position 3949, G replaced by A.
Protein change: p.Ala1317Thr; replaces alanine 1317 with threonine.
Molecular consequence: missense variant.
Genome position (GRCh38, 1-based): chr16:1,519,972, C>T on the plus strand (G>A on the coding strand, the complement: IFT140 is on the minus strand). VCF-style: chr16-1519972-C-T. GRCh37 (hg19) VCF-style: chr16-1569973-C-T.
Other names: c.3949G>A (NM_014714.3); short protein forms A1317T.
Identifiers: ClinVar variation 3631358 (VCV003631358.6).
Genomic context (GRCh38, chr16:1,519,972, plus strand): 5'-CCATCCTGCTCTGCAGCTGCGCCAGCCTGGTCTCCTGGTCCAGGGGGCTCTTGGCCTTGG[C>T]CTTGGCCAGGCACTTGTAGGCCTCGGTCAGCGCCCCGTGGGCTTTGTCGTAGTTCTGGTA-3'
Protein context (NP_055529.2, residues 1307-1327): LTEAYKCLAK[Ala1317Thr]KAKSPLDQET